The following is an entry in ClinVar:

ClinVar aggregate classification (germline): Likely benign. Review status: criteria provided, multiple submitters, no conflicts (2 of 4 stars). 2 submissions from 2 submitters: Likely benign (2). Last evaluated 2025-07-09.

Conditions:
Neutral lipid storage myopathy (NLSDM). Also called: NEUTRAL LIPID STORAGE DISEASE WITHOUT ICHTHYOSIS. Identifiers: Orphanet 98908, MedGen C1853136, MONDO:0012545, OMIM 610717.

Allele frequency attached by ClinVar (database versions not stated): gnomAD exomes 0.00005 and 0.00009; gnomAD 0.00008; TOPMed 0.00008.
gnomAD v4.1: 130 of 1,503,420 alleles (0.0086%); highest among the groups gnomAD compares: Non-Finnish European, 0.011%; no homozygotes.

Submissions (2):

Labcorp Genetics (formerly Invitae), Labcorp
Classification: Likely benign for Neutral lipid storage myopathy. Last evaluated: 2025-07-09. Review status: criteria provided, single submitter. Criteria: Invitae Variant Classification Sherloc (09022015). Collection method: clinical testing. Allele origin: germline.

CeGaT Center for Human Genetics Tuebingen
Classification: Likely benign. Last evaluated: 2022-04-01. Review status: criteria provided, single submitter. Criteria: CeGaT Center For Human Genetics Tuebingen Variant Classification Criteria Version 2. Collection method: clinical testing. Allele origin: germline. Affected: yes. Observed: 1 variant allele.
Comment: PNPLA2: BP4, BP7

NM_020376.4(PNPLA2):c.90C>G (p.Arg30=)

Genes: PNPLA2 (patatin like domain 2, triacylglycerol lipase; plus strand), LOC130005097 (ATAC-STARR-seq lymphoblastoid silent region 3036; plus strand). Cytogenetic location: 11p15.5.
Variant type: single nucleotide variant.
Coding change: c.90C>G on transcript NM_020376.4 (MANE Select); coding-DNA position 90, C replaced by G.
Protein change: p.Arg30=; no amino-acid change (arginine 30 retained).
Molecular consequence: synonymous variant.
Genome position (GRCh38, 1-based): chr11:819,808, C>G. VCF-style: chr11-819808-C-G. GRCh37 (hg19) VCF-style: chr11-819808-C-G.
Identifiers: ClinVar variation 1128456 (VCV001128456.33), dbSNP rs770324200, ClinGen allele CA5790903.